The following is an entry in ClinVar:

NM_021098.3(CACNA1H):c.4801G>T (p.Ala1601Ser)

Gene: CACNA1H (calcium voltage-gated channel subunit alpha1 H; plus strand). Cytogenetic location: 16p13.3.
Variant type: single nucleotide variant.
Coding change: c.4801G>T on transcript NM_021098.3 (MANE Select); coding-DNA position 4801, G replaced by T.
Protein change: p.Ala1601Ser; replaces alanine 1601 with serine.
Molecular consequence: missense variant.
Genome position (GRCh38, 1-based): chr16:1,213,803, G>T. VCF-style: chr16-1213803-G-T. GRCh37 (hg19) VCF-style: chr16-1263803-G-T.
Other names: c.4783G>T, p.Ala1595Ser (NM_001005407.2); short protein forms A1595S, A1601S.
Identifiers: ClinVar variation 3760879 (VCV003760879.2).

ClinVar aggregate classification (germline): Uncertain significance (1 of 4 stars; one submission).

Conditions:
Idiopathic generalized epilepsy. Also called: EIG; Generalised epilepsy. Identifiers: MedGen C0270850, MONDO:0005579, OMIM 600669.
Hyperaldosteronism, familial, type IV (HALD4). Also called: FH IV; ALDOSTERONISM, PRIMARY, AND HYPERTENSION. Identifiers: Orphanet 642671, MedGen C4310756, MONDO:0014875, OMIM 617027.

Submission:

Labcorp Genetics (formerly Invitae), Labcorp
Classification: Uncertain significance for Idiopathic generalized epilepsy; Hyperaldosteronism, familial, type IV. Last evaluated: 2024-04-29. Review status: criteria provided, single submitter. Criteria: Invitae Variant Classification Sherloc (09022015). Collection method: clinical testing. Allele origin: germline.
Comment: This sequence change replaces alanine, which is neutral and non-polar, with serine, which is neutral and polar, at codon 1601 of the CACNA1H protein (p.Ala1601Ser). This variant is not present in population databases (gnomAD no frequency). This variant has not been reported in the literature in individuals affected with CACNA1H-related conditions. Advanced modeling of protein sequence and biophysical properties (such as structural, functional, and spatial information, amino acid conservation, physicochemical variation, residue mobility, and thermodynamic stability) performed at Invitae indicates that this missense variant is not expected to disrupt CACNA1H protein function with a negative predictive value of 80%. In summary, the available evidence is currently insufficient to determine the role of this variant in disease. Therefore, it has been classified as a Variant of Uncertain Significance.